The following is an entry in ClinVar:

ClinVar aggregate classification (germline): Likely benign (1 of 4 stars; one submission).

gnomAD v4.1: 2 of 1,604,182 alleles (0.00012%); highest among the groups gnomAD compares: South Asian, 0.0022%; no homozygotes.

Submission:

Women's Health and Genetics/Laboratory Corporation of America, LabCorp
Classification: Likely benign. Last evaluated: 2025-07-17. Review status: criteria provided, single submitter. Criteria: LabCorp Variant Classification Summary - May 2015. Collection method: clinical testing. Allele origin: germline.
Comment: Variant summary: GRM1 c.1603-4A>G alters a nucleotide located at a position not widely known to affect splicing. Consensus agreement among computation tools predict no significant impact on normal splicing. However, these predictions have yet to be confirmed by functional studies. The variant was absent in 250578 control chromosomes (gnomAD). The available data on variant occurrences in the general population are insufficient to allow any conclusion about variant significance. To our knowledge, no occurrence of c.1603-4A>G in individuals affected with Autosomal Recessive Spinocerebellar Ataxia 13 and no experimental evidence demonstrating its impact on protein function have been reported. No submitters have cited clinical-significance assessments for this variant to ClinVar. Based on the evidence outlined above, the variant was classified as likely benign.

NM_001278064.2(GRM1):c.1603-4A>G

Gene: GRM1 (glutamate metabotropic receptor 1; plus strand). Cytogenetic location: 6q24.3.
Variant type: single nucleotide variant.
Coding change: c.1603-4A>G on transcript NM_001278064.2 (MANE Select); 4 bases into the intron before coding-DNA position 1603, A replaced by G.
Molecular consequence: intron variant.
Genome position (GRCh38, 1-based): chr6:146,386,886, A>G. VCF-style: chr6-146386886-A-G. GRCh37 (hg19) VCF-style: chr6-146708022-A-G.
Other names: c.1603-4A>G (NM_001278065.2, NM_001278066.1, NM_001278067.1).
Identifiers: ClinVar variation 4525803 (VCV004525803.1).